The following is an entry in ClinVar:

ClinVar aggregate classification (germline): Uncertain significance (1 of 4 stars; one submission).

Conditions:
Epilepsy. Also called: Seizure disorder. Identifiers: MedGen C0014544, MeSH D004827, MONDO:0005027.

Submission:

Labcorp Genetics (formerly Invitae), Labcorp
Classification: Uncertain significance for Epilepsy. Last evaluated: 2023-07-17. Review status: criteria provided, single submitter. Criteria: Invitae Variant Classification Sherloc (09022015). Collection method: clinical testing. Allele origin: germline.
Comment: ClinVar contains an entry for this variant (Variation ID: 2103055). This variant has not been reported in the literature in individuals affected with PIGQ-related conditions. This variant is not present in population databases (gnomAD no frequency). This sequence change replaces leucine, which is neutral and non-polar, with proline, which is neutral and non-polar, at codon 237 of the PIGQ protein (p.Leu237Pro). An algorithm developed to predict the effect of missense changes on protein structure and function (PolyPhen-2) suggests that this variant is likely to be disruptive. In summary, the available evidence is currently insufficient to determine the role of this variant in disease. Therefore, it has been classified as a Variant of Uncertain Significance.

NM_004204.5(PIGQ):c.710T>C (p.Leu237Pro)

Gene: PIGQ (phosphatidylinositol glycan anchor biosynthesis class Q; plus strand). Cytogenetic location: 16p13.3.
Variant type: single nucleotide variant.
Coding change: c.710T>C on transcript NM_004204.5 (MANE Select); coding-DNA position 710, T replaced by C.
Protein change: p.Leu237Pro; replaces leucine 237 with proline.
Molecular consequence: missense variant.
Genome position (GRCh38, 1-based): chr16:575,859, T>C. VCF-style: chr16-575859-T-C. GRCh37 (hg19) VCF-style: chr16-625859-T-C.
Other names: c.710T>C, p.Leu237Pro (NM_148920.4); short protein forms L237P.
Identifiers: ClinVar variation 2103055 (VCV002103055.3), dbSNP rs2505933080, ClinGen allele CA394051561.